The following is an entry in ClinVar:

ClinVar aggregate classification (germline): Conflicting classifications of pathogenicity. Review status: criteria provided, conflicting classifications (1 of 4 stars). 3 submissions from 3 submitters: Uncertain significance (1); Likely benign (2). Last evaluated 2025-08-29.

Conditions:
Cone-rod dystrophy 5 (CORD5). Identifiers: Orphanet 1872, MedGen C1832976, MONDO:0010969, OMIM 600977.

Allele frequency attached by ClinVar (database versions not stated): gnomAD exomes 0.00002 and 0.00004; ExAC 0.00003; gnomAD 0.00011 and 0.00012; TOPMed 0.00011; 1000 Genomes Project 30x 0.00016; ESP Exome Variant Server 0.00038.
gnomAD v4.1: 43 of 1,614,022 alleles (0.0027%); highest among the groups gnomAD compares: African/African-American, 0.032%; no homozygotes.

Submissions (3):

Ambry Genetics
Classification: Likely benign. Last evaluated: 2025-08-29. Review status: criteria provided, single submitter. Criteria: Ambry Variant Classification Scheme 2023. Collection method: clinical testing. Allele origin: germline.

Labcorp Genetics (formerly Invitae), Labcorp
Classification: Uncertain significance. Last evaluated: 2025-02-06. Review status: criteria provided, single submitter. Criteria: Invitae Variant Classification Sherloc (09022015). Collection method: clinical testing. Allele origin: germline.
Comment: This sequence change replaces alanine, which is neutral and non-polar, with valine, which is neutral and non-polar, at codon 305 of the PITPNM3 protein (p.Ala305Val). This variant is present in population databases (rs145148072, gnomAD 0.03%). This variant has not been reported in the literature in individuals affected with PITPNM3-related conditions. ClinVar contains an entry for this variant (Variation ID: 324757). An algorithm developed to predict the effect of missense changes on protein structure and function outputs the following: PolyPhen-2: "Benign". The valine amino acid residue is found in multiple mammalian species, which suggests that this missense change does not adversely affect protein function. In summary, the available evidence is currently insufficient to determine the role of this variant in disease. Therefore, it has been classified as a Variant of Uncertain Significance.

Illumina Laboratory Services, Illumina
Classification: Likely benign for Cone-rod dystrophy 5. Last evaluated: 2018-01-13. Review status: criteria provided, single submitter. Criteria: ICSL Variant Classification Criteria 13 December 2019. Collection method: clinical testing. Allele origin: germline.
Comment: This variant was observed in the ICSL laboratory as part of a predisposition screen in an ostensibly healthy population. It had not been previously curated by ICSL or reported in the Human Gene Mutation Database (HGMD: prior to June 1st, 2018), and was therefore a candidate for classification through an automated scoring system. Utilizing variant allele frequency, disease prevalence and penetrance estimates, and inheritance mode, an automated score was calculated to assess if this variant is too frequent to cause the disease. Based on the score and internal cut-off values, a variant classified as likely benign is not then subjected to further curation. The score for this variant resulted in a classification of likely benign for this disease.

NM_031220.4(PITPNM3):c.914C>T (p.Ala305Val)

Gene: PITPNM3 (PITPNM family member 3; minus strand). Cytogenetic location: 17p13.2.
Variant type: single nucleotide variant.
Coding change: c.914C>T on transcript NM_031220.4 (MANE Select); coding-DNA position 914, C replaced by T.
Protein change: p.Ala305Val; replaces alanine 305 with valine.
Molecular consequence: missense variant.
Genome position (GRCh38, 1-based): chr17:6,477,200, G>A on the plus strand (C>T on the coding strand, the complement: PITPNM3 is on the minus strand). VCF-style: chr17-6477200-G-A. GRCh37 (hg19) VCF-style: chr17-6380520-G-A.
Other names: c.806C>T, p.Ala269Val (NM_001165966.2); short protein forms A305V, A269V.
Identifiers: ClinVar variation 324757 (VCV000324757.14), dbSNP rs145148072, ClinGen allele CA8329668.